The following is an entry in ClinVar:

NM_145290.4(ADGRA3):c.3383A>G (p.Asn1128Ser)

Gene: ADGRA3 (adhesion G protein-coupled receptor A3; minus strand). Cytogenetic location: 4p15.2.
Variant type: single nucleotide variant.
Coding change: c.3383A>G on transcript NM_145290.4 (MANE Select); coding-DNA position 3383, A replaced by G.
Protein change: p.Asn1128Ser; replaces asparagine 1128 with serine.
Molecular consequence: missense variant.
Genome position (GRCh38, 1-based): chr4:22,388,288, T>C on the plus strand (A>G on the coding strand, the complement: ADGRA3 is on the minus strand). VCF-style: chr4-22388288-T-C. GRCh37 (hg19) VCF-style: chr4-22389911-T-C.
Other names: c.3383A>G (NM_145290.2); short protein forms N1128S.
Identifiers: ClinVar variation 1515297 (VCV001515297.7), dbSNP rs545763677, ClinGen allele CA2873380.

ClinVar aggregate classification (germline): Uncertain significance. Review status: criteria provided, multiple submitters, no conflicts (2 of 4 stars). 2 submissions from 2 submitters: Uncertain significance (2). Last evaluated 2025-08-21.

Allele frequency attached by ClinVar (database versions not stated): gnomAD 0.00005 and 0.00006; 1000 Genomes Project 0.00060; 1000 Genomes Project 30x 0.00062.
gnomAD v4.1: 21 of 1,614,110 alleles (0.0013%); highest among the groups gnomAD compares: African/African-American, 0.015%; no homozygotes.

Submissions (2):

Ambry Genetics
Classification: Uncertain significance. Last evaluated: 2025-08-21. Review status: criteria provided, single submitter. Criteria: Ambry Variant Classification Scheme 2023. Collection method: clinical testing. Allele origin: germline.

Labcorp Genetics (formerly Invitae), Labcorp
Classification: Uncertain significance. Last evaluated: 2025-02-01. Review status: criteria provided, single submitter. Criteria: Invitae Variant Classification Sherloc (09022015). Collection method: clinical testing. Allele origin: germline.
Comment: This sequence change replaces asparagine, which is neutral and polar, with serine, which is neutral and polar, at codon 1128 of the ADGRA3 protein (p.Asn1128Ser). This variant is present in population databases (rs545763677, gnomAD 0.02%). This variant has not been reported in the literature in individuals affected with ADGRA3-related conditions. ClinVar contains an entry for this variant (Variation ID: 1515297). An algorithm developed to predict the effect of missense changes on protein structure and function outputs the following: PolyPhen-2: "Benign". The serine amino acid residue is found in multiple mammalian species, which suggests that this missense change does not adversely affect protein function. In summary, the available evidence is currently insufficient to determine the role of this variant in disease. Therefore, it has been classified as a Variant of Uncertain Significance.